The following is an entry in ClinVar:

ClinVar aggregate classification (germline): Benign (1 of 4 stars; one submission).

Conditions:
Hereditary pheochromocytoma and paraganglioma. Also called: Hereditary Paraganglioma-Pheochromocytoma Syndromes; Hereditary paragangliomas and pheochromocytomas; Hereditary pheochromocytoma-paraganglioma. Identifiers: Orphanet 29072, MedGen C4274332, MONDO:0017366.

Allele frequency attached by ClinVar (database versions not stated): 1000 Genomes Project 0.01158; gnomAD 0.01242 and 0.01135; TOPMed 0.01262; gnomAD exomes 0.00220; 1000 Genomes Project 30x 0.01234.

Submission:

Illumina Laboratory Services, Illumina
Classification: Benign for Hereditary Paraganglioma-Pheochromocytoma Syndromes. Last evaluated: 2018-01-13. Review status: criteria provided, single submitter. Criteria: ICSL Variant Classification Criteria 13 December 2019. Collection method: clinical testing. Allele origin: germline.
Comment: This variant was observed in the ICSL laboratory as part of a predisposition screen in an ostensibly healthy population. It had not been previously curated by ICSL or reported in the Human Gene Mutation Database (HGMD: prior to June 1st, 2018), and was therefore a candidate for classification through an automated scoring system. Utilizing variant allele frequency, disease prevalence and penetrance estimates, and inheritance mode, an automated score was calculated to assess if this variant is too frequent to cause the disease. Based on the score and internal cut-off values, a variant classified as benign is not then subjected to further curation. The score for this variant resulted in a classification of benign for this disease.

NM_003001.3(SDHC):c.*1731G>A

Gene: SDHC (succinate dehydrogenase complex subunit C; plus strand). Cytogenetic location: 1q23.3.
Variant type: single nucleotide variant.
Coding change: c.*1731G>A on transcript NM_003001.3; 1731 bases downstream of the stop codon, G replaced by A.
Genome position (GRCh38, 1-based): chr1:161,364,164, G>A. VCF-style: chr1-161364164-G-A. GRCh37 (hg19) VCF-style: chr1-161333954-G-A.
Identifiers: ClinVar variation 293356 (VCV000293356.7), dbSNP rs115718047, ClinGen allele CA10608196.